The following is an entry in ClinVar:

ClinVar aggregate classification (germline): Likely benign. Review status: criteria provided, single submitter (1 of 4 stars). 2 submissions from 2 submitters: Likely benign (1). 1 of the submissions does not count toward it. Last evaluated 2025-09-14.

Conditions:
TNS2-related disorder. Also called: TNS2-related condition.

Allele frequency attached by ClinVar (database versions not stated): gnomAD 0.00002; TOPMed 0.00002; gnomAD exomes 0.00003; 1000 Genomes Project 30x 0.00031.
gnomAD v4.1: 49 of 1,590,262 alleles (0.0031%); highest among the groups gnomAD compares: Admixed American, 0.0053%; no homozygotes.

Submissions (2):

Labcorp Genetics (formerly Invitae), Labcorp
Classification: Likely benign. Last evaluated: 2025-09-14. Review status: criteria provided, single submitter. Criteria: Invitae Variant Classification Sherloc (09022015). Collection method: clinical testing. Allele origin: germline.

PreventionGenetics, part of Exact Sciences
Classification: Likely benign for TNS2-related condition. Last evaluated: 2019-03-06. Review status: no assertion criteria provided. Collection method: clinical testing. Allele origin: germline. Not counted in ClinVar's aggregate classification.
Comment: This variant is classified as likely benign based on ACMG/AMP sequence variant interpretation guidelines (Richards et al. 2015 PMID: 25741868, with internal and published modifications).

NM_170754.4(TNS2):c.1560C>A (p.Thr520=)

Gene: TNS2 (tensin 2; plus strand). Cytogenetic location: 12q13.13.
Variant type: single nucleotide variant.
Coding change: c.1560C>A on transcript NM_170754.4 (MANE Select); coding-DNA position 1560, C replaced by A.
Protein change: p.Thr520=; no amino-acid change (threonine 520 retained).
Molecular consequence: synonymous variant.
Genome position (GRCh38, 1-based): chr12:53,059,201, C>A. VCF-style: chr12-53059201-C-A. GRCh37 (hg19) VCF-style: chr12-53452985-C-A.
Other names: c.1590C>A (NM_015319.2); c.1560C>A, p.Thr520= (NM_001416202.1); c.1518C>A, p.Thr506= (NM_001416203.1); c.1587C>A, p.Thr529= (NM_001416204.1); c.1491C>A, p.Thr497= (NM_015319.3); c.1188C>A, p.Thr396= (NM_198316.2).
Identifiers: ClinVar variation 2170897 (VCV002170897.6), dbSNP rs769614118, ClinGen allele CA6592399.